The following is an entry in ClinVar:

ClinVar aggregate classification (germline): Pathogenic/Likely pathogenic. Review status: criteria provided, multiple submitters, no conflicts (2 of 4 stars). 3 submissions from 3 submitters: Pathogenic (2); Likely pathogenic (1). Last evaluated 2024-10-17.

Conditions:
Inborn genetic diseases. Identifiers: MedGen C0950123, MeSH D030342.
Neurodevelopmental disorder with hypotonia and variable intellectual and behavioral abnormalities. Identifiers: MedGen C5231423, MONDO:0032829, OMIM 618603.

Submissions (3):

GeneDx
Classification: Pathogenic. Last evaluated: 2024-10-17. Review status: criteria provided, single submitter. Criteria: GeneDx Variant Classification Process June 2021. Collection method: clinical testing. Allele origin: germline. Affected: yes.
Comment: Not observed at significant frequency in large population cohorts (gnomAD); In silico analysis supports that this missense variant has a deleterious effect on protein structure/function; Has not been previously published as pathogenic or benign to our knowledge; This variant is associated with the following publications: (PMID: 19344873)

Greenwood Genetic Center Diagnostic Laboratories, Greenwood Genetic Center
Classification: Pathogenic for Neurodevelopmental disorder with hypotonia and variable intellectual and behavioral abnormalities. Last evaluated: 2024-03-01. Review status: criteria provided, single submitter. Criteria: ACMG Guidelines, 2015. Collection method: clinical testing. Allele origin: germline. Affected: yes.
Comment: PS2, PM1, PM2, PP2, PP3

Ambry Genetics
Classification: Likely pathogenic for Inborn genetic diseases. Last evaluated: 2020-05-07. Review status: criteria provided, single submitter. Criteria: Ambry Variant Classification Scheme 2023. Collection method: clinical testing. Allele origin: germline.
Comment: The alteration results in an amino acid change:_x000D_ _x000D_ The c.3368G>A (p.R1123Q) alteration is located in coding exon 20 of the POLR2A gene. This alteration results from a G to A substitution at nucleotide position 3368, causing the arginine (R) at amino acid position 1123 to be replaced by a glutamine (Q). The alteration is not observed in population databases:_x000D_ _x000D_ Based on data from the Genome Aggregation Database (gnomAD), the POLR2A c.3368G>A alteration was not observed, with coverage at this position. The alteration has been observed in affected individuals: _x000D_ _x000D_ This alteration has been reported as a de novo occurrence in an individual with developmental delay and hypotonia (Firth, 2009). The altered amino acid is conserved throughout evolution:_x000D_ _x000D_ The p.R1123 amino acid is conserved in available vertebrate species. The alteration is predicted deleterious by in silico modeling:_x000D_ _x000D_ The p.R1123Q alteration is predicted to be deleterious by in silico analysis. Based on the available evidence, this alteration is classified as likely pathogenic.

Literature cited by the submitters: PubMed 19344873 (cited by Ambry Genetics).

NM_000937.5(POLR2A):c.3368G>A (p.Arg1123Gln)

Gene: POLR2A (RNA polymerase II subunit A; plus strand). Cytogenetic location: 17p13.1.
Variant type: single nucleotide variant.
Coding change: c.3368G>A on transcript NM_000937.5 (MANE Select); coding-DNA position 3368, G replaced by A.
Protein change: p.Arg1123Gln; replaces arginine 1123 with glutamine.
Molecular consequence: missense variant.
Genome position (GRCh38, 1-based): chr17:7,508,378, G>A. VCF-style: chr17-7508378-G-A. GRCh37 (hg19) VCF-style: chr17-7411697-G-A.
Other names: short protein forms R1123Q.
Identifiers: ClinVar variation 985893 (VCV000985893.6), dbSNP rs1597803120, ClinGen allele CA397808227.